The following is an entry in ClinVar:

ClinVar aggregate classification (germline): Uncertain significance (1 of 4 stars; one submission).

Conditions:
Severe combined immunodeficiency due to DNA-PKcs deficiency. Also called: IMMUNODEFICIENCY 26 WITH NEUROLOGIC ABNORMALITIES; Immunodeficiency 26 with or without neurologic abnormalities. Identifiers: Orphanet 317425, MedGen C4014833, MONDO:0014423, OMIM 615966.

Allele frequency attached by ClinVar (database versions not stated): gnomAD exomes below 0.00001 and 0.00001; ExAC 0.00001; gnomAD 0.00001; TOPMed 0.00002; 1000 Genomes Project 30x 0.00016; 1000 Genomes Project 0.00020.
gnomAD v4.1: 5 of 1,602,772 alleles (0.00031%); highest among the groups gnomAD compares: African/African-American, 0.0054%; no homozygotes.

Submission:

Labcorp Genetics (formerly Invitae), Labcorp
Classification: Uncertain significance for Severe combined immunodeficiency due to DNA-PKcs deficiency. Last evaluated: 2018-03-23. Review status: criteria provided, single submitter. Criteria: Invitae Variant Classification Sherloc (09022015). Collection method: clinical testing. Allele origin: germline.
Comment: This sequence change replaces valine with glutamic acid at codon 3567 of the PRKDC protein (p.Val3567Glu). The valine¬†residue is moderately conserved and there is a moderate¬†physicochemical difference between valine¬†and glutamic acid. This variant is present in population databases (rs547696421, ExAC 0.01%). This variant has not been reported in the literature in individuals with PRKDC-related disease. Algorithms developed to predict the effect of missense changes on protein structure and function output the following: SIFT: "Deleterious"; PolyPhen-2: "Benign"; Align-GVGD: "Class C0". The glutamic acid¬†amino acid residue is found in multiple mammalian species, suggesting that this missense change does not adversely affect protein function. These predictions have not been confirmed by published functional studies and their clinical significance is uncertain. In summary, the available evidence is currently insufficient to determine the role of this variant in disease. Therefore, it has been classified as a Variant of Uncertain Significance.

NM_006904.7(PRKDC):c.10700T>A (p.Val3567Glu)

Gene: PRKDC (protein kinase, DNA-activated, catalytic subunit; minus strand). Cytogenetic location: 8q11.21.
Variant type: single nucleotide variant.
Coding change: c.10700T>A on transcript NM_006904.7 (MANE Select); coding-DNA position 10700, T replaced by A.
Protein change: p.Val3567Glu; replaces valine 3567 with glutamic acid.
Molecular consequence: missense variant.
Genome position (GRCh38, 1-based): chr8:47,789,209, A>T on the plus strand (T>A on the coding strand, the complement: PRKDC is on the minus strand). VCF-style: chr8-47789209-A-T. GRCh37 (hg19) VCF-style: chr8-48701770-A-T.
Other names: c.10700T>A, p.Val3567Glu (NM_001081640.2); short protein forms V3567E.
Identifiers: ClinVar variation 576363 (VCV000576363.2), dbSNP rs547696421, ClinGen allele CA4739268.
Genomic context (GRCh38, chr8:47,789,209, plus strand): 5'-ACCTTAAAGAGCAGTTCAGGATTAGAGAGCTGATCTAAGGCATTAATAAAATCTTGAATC[A>T]CTCCTCCTTGATCCAACTTACTTTTAATCCTATTTAAAAAAATTTACAAAGTTTAGGCAA-3'
Protein context (NP_008835.5, residues 3557-3577): RIKSKLDQGG[Val3567Glu]IQDFINALDQ